The following is an entry in ClinVar:

ClinVar aggregate classification (germline): Likely benign (1 of 4 stars; one submission).

Submission:

CeGaT Center for Human Genetics Tuebingen
Classification: Likely benign. Last evaluated: 2026-07-01. Review status: criteria provided, single submitter. Criteria: CeGaT Center For Human Genetics Tuebingen Variant Classification Criteria Version 2. Collection method: clinical testing. Allele origin: germline. Affected: yes. Observed: 1 variant allele.
Comment: TUBG1: BP4, BP7

NM_001070.5(TUBG1):c.111G>T (p.Val37=)

Gene: TUBG1 (tubulin gamma 1; plus strand). Cytogenetic location: 17q21.2.
Variant type: single nucleotide variant.
Coding change: c.111G>T on transcript NM_001070.5 (MANE Select); coding-DNA position 111, G replaced by T.
Protein change: p.Val37=; no amino-acid change (valine 37 retained).
Molecular consequence: synonymous variant.
Genome position (GRCh38, 1-based): chr17:42,610,169, G>T. VCF-style: chr17-42610169-G-T. GRCh37 (hg19) VCF-style: chr17-40762187-G-T.
Identifiers: ClinVar variation 5039711 (VCV005039711.1).